The following is an entry in ClinVar:

ClinVar aggregate classification (germline): Benign/Likely benign. Review status: criteria provided, multiple submitters, no conflicts (2 of 4 stars). 8 submissions from 8 submitters: Benign (3); Likely benign (2). 3 of the submissions do not count toward it. Last evaluated 2026-01-27.

Conditions:
CACNA1H-related disorder.
Hyperaldosteronism, familial, type IV (HALD4). Also called: FH IV; ALDOSTERONISM, PRIMARY, AND HYPERTENSION. Identifiers: Orphanet 642671, MedGen C4310756, MONDO:0014875, OMIM 617027.
Idiopathic generalized epilepsy. Also called: Generalised epilepsy; EIG. Identifiers: MedGen C0270850, MONDO:0005579, OMIM 600669.

Allele frequency attached by ClinVar (database versions not stated): ExAC 0.00207; ESP Exome Variant Server 0.00459; gnomAD 0.00636 and 0.00678; TOPMed 0.00701; 1000 Genomes Project 0.00879; 1000 Genomes Project 30x 0.00890.
gnomAD v4.1: 1,886 of 1,544,942 alleles (0.12%); highest among the groups gnomAD compares: African/African-American, 2.2%; 16 homozygotes.

Submissions (8):

Labcorp Genetics (formerly Invitae), Labcorp
Classification: Benign for Idiopathic generalized epilepsy; Hyperaldosteronism, familial, type IV. Last evaluated: 2026-01-27. Review status: criteria provided, single submitter. Criteria: Invitae Variant Classification Sherloc (09022015). Collection method: clinical testing. Allele origin: germline.

Mayo Clinic Laboratories, Mayo Clinic
Classification: Likely benign. Last evaluated: 2025-06-20. Review status: criteria provided, single submitter. Criteria: ACMG Guidelines, 2015. Collection method: clinical testing. Allele origin: germline. Observed: 1 variant allele.
Comment: BS1

Blueprint Genetics
Classification: Likely benign. Last evaluated: 2024-11-26. Review status: criteria provided, single submitter. Criteria: ACMG Guidelines, 2015. Collection method: clinical testing. Allele origin: germline.

Athena Diagnostics
Classification: Benign. Last evaluated: 2024-06-04. Review status: criteria provided, single submitter. Criteria: Athena Diagnostics Criteria. Collection method: clinical testing. Allele origin: unknown.

Breakthrough Genomics
Classification: Benign. Review status: criteria provided, single submitter. Criteria: ACMG Guidelines, 2015. Collection method: not provided. Allele origin: germline. Inheritance: Autosomal dominant inheritance. Affected: yes.

PreventionGenetics, part of Exact Sciences
Classification: Benign for CACNA1H-related condition. Last evaluated: 2019-04-10. Review status: no assertion criteria provided. Collection method: clinical testing. Allele origin: germline. Not counted in ClinVar's aggregate classification.
Comment: This variant is classified as benign based on ACMG/AMP sequence variant interpretation guidelines (Richards et al. 2015 PMID: 25741868, with internal and published modifications).

Clinical Genetics DNA and cytogenetics Diagnostics Lab, Erasmus MC, Erasmus Medical Center
Classification: Benign. Review status: no assertion criteria provided. Collection method: clinical testing. Allele origin: germline. Affected: yes. Study: VKGL Data-share Consensus. Not counted in ClinVar's aggregate classification.

Laboratory of Diagnostic Genome Analysis, Leiden University Medical Center (LUMC)
Classification: Likely benign. Review status: no assertion criteria provided. Collection method: clinical testing. Allele origin: germline. Affected: yes. Study: VKGL Data-share Consensus. Not counted in ClinVar's aggregate classification.

NM_021098.3(CACNA1H):c.1513C>T (p.Arg505Cys)

Gene: CACNA1H (calcium voltage-gated channel subunit alpha1 H; plus strand). Cytogenetic location: 16p13.3.
Variant type: single nucleotide variant.
Coding change: c.1513C>T on transcript NM_021098.3 (MANE Select); coding-DNA position 1513, C replaced by T.
Protein change: p.Arg505Cys; replaces arginine 505 with cysteine.
Molecular consequence: missense variant.
Genome position (GRCh38, 1-based): chr16:1,201,963, C>T. VCF-style: chr16-1201963-C-T. GRCh37 (hg19) VCF-style: chr16-1251963-C-T.
Other names: p.Arg505Cys; c.1513C>T, p.Arg505Cys (NM_001005407.2); short protein forms R505C.
Identifiers: ClinVar variation 460049 (VCV000460049.20), dbSNP rs60414549, ClinGen allele CA7799958.